The following is an entry in ClinVar:

ClinVar aggregate classification (germline): Uncertain significance. Review status: criteria provided, multiple submitters, no conflicts (2 of 4 stars). 8 submissions from 7 submitters: Uncertain significance (8). Last evaluated 2025-04-26.

Conditions:
Autosomal recessive nonsyndromic hearing loss 7. Also called: DEAFNESS, AUTOSOMAL RECESSIVE 11. Identifiers: Orphanet 90636, MedGen C1832978, MONDO:0010967, OMIM 600974.
Autosomal dominant nonsyndromic hearing loss 36. Identifiers: Orphanet 90635, MedGen C1847626, MONDO:0011708, OMIM 606705.
TMC1-related disorder. Also called: TMC1-related condition; TMC1-related disorders.

Allele frequency attached by ClinVar (database versions not stated): gnomAD 0.00005; TOPMed 0.00005; gnomAD exomes 0.00007; ExAC 0.00008; ESP Exome Variant Server 0.00008.
gnomAD v4.1: 140 of 1,613,250 alleles (0.0087%); highest among the groups gnomAD compares: Non-Finnish European, 0.0084%; no homozygotes.

Submissions (8):

PreventionGenetics, part of Exact Sciences
Classification: Uncertain significance for TMC1-related condition. Last evaluated: 2025-04-26. Review status: criteria provided, single submitter. Criteria: ACMG Guidelines, 2015. Collection method: clinical testing. Allele origin: germline.
Comment: The TMC1 c.1708G>A variant is predicted to result in the amino acid substitution p.Glu570Lys. To our knowledge, this variant has not been reported in the literature. This variant is reported in 0.068% of alleles in individuals of Ashkenazi Jewish descent in gnomAD. Although we suspect that this variant may be benign, at this time, the clinical significance of this variant is uncertain due to the absence of conclusive functional and genetic evidence.

Labcorp Genetics (formerly Invitae), Labcorp
Classification: Uncertain significance. Last evaluated: 2024-09-19. Review status: criteria provided, single submitter. Criteria: Invitae Variant Classification Sherloc (09022015). Collection method: clinical testing. Allele origin: germline.
Comment: This sequence change replaces glutamic acid, which is acidic and polar, with lysine, which is basic and polar, at codon 570 of the TMC1 protein (p.Glu570Lys). This variant is present in population databases (rs369890353, gnomAD 0.07%). This variant has not been reported in the literature in individuals affected with TMC1-related conditions. ClinVar contains an entry for this variant (Variation ID: 810384). Invitae Evidence Modeling of protein sequence and biophysical properties (such as structural, functional, and spatial information, amino acid conservation, physicochemical variation, residue mobility, and thermodynamic stability) indicates that this missense variant is expected to disrupt TMC1 protein function with a positive predictive value of 95%. In summary, the available evidence is currently insufficient to determine the role of this variant in disease. Therefore, it has been classified as a Variant of Uncertain Significance.

Blueprint Genetics
Classification: Uncertain significance. Last evaluated: 2022-08-09. Review status: criteria provided, single submitter. Criteria: ACMG Guidelines, 2015. Collection method: clinical testing. Allele origin: germline.

Department of Pathology and Laboratory Medicine, Sinai Health System
Classification: Uncertain significance for Autosomal recessive nonsyndromic hearing loss 7; Autosomal dominant nonsyndromic hearing loss 36. Last evaluated: 2021-07-30. Review status: criteria provided, single submitter. Criteria: ACMG Guidelines, 2015. Collection method: research. Allele origin: germline.

Laboratory for Molecular Medicine, Mass General Brigham Personalized Medicine
Classification: Uncertain significance. Last evaluated: 2019-07-15. Review status: criteria provided, single submitter. Criteria: LMM Criteria. Collection method: clinical testing. Allele origin: germline. Observed: 1 variant allele.
Comment: The p.Glu570Lys variant in TMC1 has not been previously reported in individuals with hearing loss, but has been identified in 0.067% (7/10368) of Ashkenazi Jewish chromosomes and 0.01% (11/129072) of European chromosomes by gnomAD. Computational prediction tools and conservation analyses suggest that this variant may impact the protein, though this information is not predictive enough to determine pathogenicity. In summary, the clinical significance of this variant is uncertain. ACMG/AMP Criteria applied: PP3.

CeGaT Center for Human Genetics Tuebingen
Classification: Uncertain significance. Last evaluated: 2019-06-01. Review status: criteria provided, single submitter. Criteria: CeGaT Center For Human Genetics Tuebingen Variant Classification Criteria Version 2. Collection method: clinical testing. Allele origin: germline. Affected: yes. Observed: 1 variant allele.

Illumina Laboratory Services, Illumina
Classification: Uncertain significance for Autosomal recessive nonsyndromic hearing loss 7. Last evaluated: 2018-01-12. Review status: criteria provided, single submitter. Criteria: ICSL Variant Classification Criteria 13 December 2019. Collection method: clinical testing. Allele origin: germline.

Illumina Laboratory Services, Illumina
Classification: Uncertain significance for Autosomal dominant nonsyndromic hearing loss 36. Last evaluated: 2018-01-12. Review status: criteria provided, single submitter. Criteria: ICSL Variant Classification Criteria 13 December 2019. Collection method: clinical testing. Allele origin: germline.

NM_138691.3(TMC1):c.1708G>A (p.Glu570Lys)

Gene: TMC1 (transmembrane channel like 1; plus strand). Cytogenetic location: 9q21.13.
Variant type: single nucleotide variant.
Coding change: c.1708G>A on transcript NM_138691.3 (MANE Select); coding-DNA position 1708, G replaced by A.
Protein change: p.Glu570Lys; replaces glutamic acid 570 with lysine.
Molecular consequence: missense variant.
Genome position (GRCh38, 1-based): chr9:72,816,155, G>A. VCF-style: chr9-72816155-G-A. GRCh37 (hg19) VCF-style: chr9-75431071-G-A.
Other names: short protein forms E570K.
Identifiers: ClinVar variation 810384 (VCV000810384.56), dbSNP rs369890353, ClinGen allele CA5082048.